The following is an entry in ClinVar:

NM_001382273.1(TNK2):c.2816C>T (p.Ser939Phe)

Gene: TNK2 (tyrosine kinase non receptor 2; minus strand). Cytogenetic location: 3q29.
Variant type: single nucleotide variant.
Coding change: c.2816C>T on transcript NM_001382273.1 (MANE Select); coding-DNA position 2816, C replaced by T.
Protein change: p.Ser939Phe; replaces serine 939 with phenylalanine.
Molecular consequence: missense variant. On other transcripts: non-coding transcript variant (15).
Genome position (GRCh38, 1-based): chr3:195,867,482, G>A on the plus strand (C>T on the coding strand, the complement: TNK2 is on the minus strand). VCF-style: chr3-195867482-G-A. GRCh37 (hg19) VCF-style: chr3-195594353-G-A.
Other names: c.2867C>T, p.Ser956Phe (NM_001308046.2, NM_001382271.1); c.2888C>T, p.Ser963Phe (NM_001382272.1, NM_001010938.2); c.2816C>T, p.Ser939Phe (NM_001382274.1, NM_001387716.1, NM_001387717.1 and 1 more transcripts); c.2912C>T, p.Ser971Phe (NM_001382275.1, NM_001387707.1); c.2771C>T, p.Ser924Phe (NM_001386164.1, NM_001387709.1, NM_001387710.1 and 8 more transcripts); c.2843C>T, p.Ser948Phe (NM_001387708.1, NM_001387715.1); short protein forms S924F, S939F, S956F, S963F, S971F, S948F.
Identifiers: ClinVar variation 4702043 (VCV004702043.1).

ClinVar aggregate classification (germline): Uncertain significance (1 of 4 stars; one submission).

gnomAD v4.1: 3 of 1,577,418 alleles (0.00019%); highest among the groups gnomAD compares: Non-Finnish European, 0.00026%; no homozygotes.

Submission:

Labcorp Genetics (formerly Invitae), Labcorp
Classification: Uncertain significance. Last evaluated: 2025-05-21. Review status: criteria provided, single submitter. Criteria: Invitae Variant Classification Sherloc (09022015). Collection method: clinical testing. Allele origin: germline.
Comment: This sequence change replaces serine, which is neutral and polar, with phenylalanine, which is neutral and non-polar, at codon 1002 of the TNK2 protein (p.Ser1002Phe). This variant is not present in population databases (gnomAD no frequency). This variant has not been reported in the literature in individuals affected with TNK2-related conditions. An algorithm developed to predict the effect of missense changes on protein structure and function (PolyPhen-2) suggests that this variant is likely to be disruptive. In summary, the available evidence is currently insufficient to determine the role of this variant in disease. Therefore, it has been classified as a Variant of Uncertain Significance.